The following is an entry in ClinVar:

ClinVar aggregate classification (germline): Uncertain significance (1 of 4 stars; one submission).

Submission:

Labcorp Genetics (formerly Invitae), Labcorp
Classification: Uncertain significance. Last evaluated: 2025-09-24. Review status: criteria provided, single submitter. Criteria: Invitae Variant Classification Sherloc (09022015). Collection method: clinical testing. Allele origin: germline.
Comment: This sequence change replaces histidine, which is basic and polar, with tyrosine, which is neutral and polar, at codon 2777 of the KMT2A protein (p.His2777Tyr). This variant is not present in population databases (gnomAD no frequency). This variant has not been reported in the literature in individuals affected with KMT2A-related conditions. Invitae Evidence Modeling of protein sequence and biophysical properties (such as structural, functional, and spatial information, amino acid conservation, physicochemical variation, residue mobility, and thermodynamic stability) indicates that this missense variant is not expected to disrupt KMT2A protein function with a negative predictive value of 95%. In summary, the available evidence is currently insufficient to determine the role of this variant in disease. Therefore, it has been classified as a Variant of Uncertain Significance.

NM_001197104.2(KMT2A):c.8329C>T (p.His2777Tyr)

Gene: KMT2A (lysine methyltransferase 2A; plus strand). Cytogenetic location: 11q23.3.
Variant type: single nucleotide variant.
Coding change: c.8329C>T on transcript NM_001197104.2 (MANE Select); coding-DNA position 8329, C replaced by T.
Protein change: p.His2777Tyr; replaces histidine 2777 with tyrosine.
Molecular consequence: missense variant.
Genome position (GRCh38, 1-based): chr11:118,504,221, C>T. VCF-style: chr11-118504221-C-T. GRCh37 (hg19) VCF-style: chr11-118374936-C-T.
Other names: c.8419C>T, p.His2807Tyr (NM_001412597.1); c.8320C>T, p.His2774Tyr (NM_005933.4); short protein forms H2774Y, H2777Y, H2807Y.
Identifiers: ClinVar variation 4800562 (VCV004800562.1).